The following is an entry in ClinVar:

NM_001360.3(DHCR7):c.1406G>C (p.Arg469Pro)

Gene: DHCR7 (7-dehydrocholesterol reductase; minus strand). Cytogenetic location: 11q13.4.
Variant type: single nucleotide variant.
Coding change: c.1406G>C on transcript NM_001360.3 (MANE Select); coding-DNA position 1406, G replaced by C.
Protein change: p.Arg469Pro; replaces arginine 469 with proline.
Molecular consequence: missense variant.
Genome position (GRCh38, 1-based): chr11:71,435,397, C>G on the plus strand (G>C on the coding strand, the complement: DHCR7 is on the minus strand). VCF-style: chr11-71435397-C-G. GRCh37 (hg19) VCF-style: chr11-71146443-C-G.
Other names: c.1406G>C, p.Arg469Pro (NM_001163817.2); short protein forms R469P.
Identifiers: ClinVar variation 449476 (VCV000449476.12), dbSNP rs201150384, ClinGen allele CA6162236.

ClinVar aggregate classification (germline): Conflicting classifications of pathogenicity. Review status: criteria provided, conflicting classifications (1 of 4 stars). 5 submissions from 5 submitters: Likely pathogenic (2); Uncertain significance (1). 2 of the submissions do not count toward it. Last evaluated 2023-10-25.

Conditions:
DHCR7-related disorder. Also called: DHCR7-related condition.
Smith-Lemli-Opitz syndrome (SLOS). Also called: LETHAL ACRODYSGENITAL SYNDROME; POLYDACTYLY, SEX REVERSAL, RENAL HYPOPLASIA, AND UNILOBAR LUNG; RSH SYNDROME; RUTLEDGE LETHAL MULTIPLE CONGENITAL ANOMALY SYNDROME; 7-Dehydrocholesterol reductase deficiency. Identifiers: Orphanet 818, MedGen C0175694, MONDO:0010035, OMIM 270400.

Allele frequency attached by ClinVar (database versions not stated): TOPMed 0.00001.
gnomAD v4.1: 5 of 1,612,362 alleles (0.00031%); highest among the groups gnomAD compares: Non-Finnish European, 0.00042%; no homozygotes.

Submissions (5):

Labcorp Genetics (formerly Invitae), Labcorp
Classification: Likely pathogenic for Smith-Lemli-Opitz syndrome. Last evaluated: 2023-10-25. Review status: criteria provided, single submitter. Criteria: Invitae Variant Classification Sherloc (09022015). Collection method: clinical testing. Allele origin: germline.
Comment: This sequence change replaces arginine, which is basic and polar, with proline, which is neutral and non-polar, at codon 469 of the DHCR7 protein (p.Arg469Pro). This variant is not present in population databases (gnomAD no frequency). This missense change has been observed in individual(s) with Smith-Lemli-Opitz syndrome (PMID: 10814720). ClinVar contains an entry for this variant (Variation ID: 449476). Advanced modeling of protein sequence and biophysical properties (such as structural, functional, and spatial information, amino acid conservation, physicochemical variation, residue mobility, and thermodynamic stability) performed at Invitae indicates that this missense variant is expected to disrupt DHCR7 protein function with a positive predictive value of 95%. In summary, the currently available evidence indicates that the variant is pathogenic, but additional data are needed to prove that conclusively. Therefore, this variant has been classified as Likely Pathogenic.

PreventionGenetics, part of Exact Sciences
Classification: Likely pathogenic for DHCR7-related condition. Last evaluated: 2023-02-07. Review status: criteria provided, single submitter. Criteria: ACMG Guidelines, 2015. Collection method: clinical testing. Allele origin: germline.
Comment: The DHCR7 c.1406G>C variant is predicted to result in the amino acid substitution p.Arg469Pro. This variant has been reported in the compound heterozygous state in an individual with Smith-Lemli-Opitz syndrome (Yu et al. 2000. PubMed ID: 10814720). This variant was also reported in the heterozygous state in an additional affected individual in the same study, however, a second potentially pathogenic allele was not identified (Yu et al. 2000. PubMed ID: 10814720). This variant has also been reported as in an exome cohort study and interpreted as likely pathogenic (Supplemental File 1 - Rego et al. 2018. PubMed ID: 30487145). Furthermore, alternate missense variants affecting the same amino acid (p.Arg469Cys, p.Arg469His) have also been reported to be associated with Smith-Lemli-Opitz syndrome (Cross et al. 2015. PubMed ID: 24813812). This variant is interpreted as likely pathogenic.

GeneDx
Classification: Uncertain significance. Last evaluated: 2017-07-03. Review status: criteria provided, single submitter. Criteria: GeneDx Variant Classification (06012015). Collection method: clinical testing. Allele origin: germline. Affected: yes.
Comment: The R469P variant is not observed at a significant frequency in large population cohorts (Lek et al., 2016; 1000 Genomes Consortium et al., 2015; Exome Variant Server). The R469P variant is a non-conservative amino acid substitution, which is likely to impact secondary protein structure as these residues differ in polarity, charge, size and/or other properties. In addition, this substitution occurs at a position that is conserved across species, and in silico analysis predicts this variant is probably damaging to the protein structure/function. Missense variants in nearby residues (V466M, V466A, P467L, L470Q) have been reported in the Human Gene Mutation Database in association with SLOS (Stenson et al., 2014), supporting the functional importance of this region of the protein. We interpret R469P as a variant of uncertain significance.

Natera, Inc.
Classification: Uncertain significance for Smith-Lemli-Opitz syndrome. Last evaluated: 2021-01-20. Review status: no assertion criteria provided. Collection method: clinical testing. Allele origin: germline. Not counted in ClinVar's aggregate classification.

Counsyl
Classification: Uncertain significance for Smith-Lemli-Opitz syndrome. Last evaluated: 2017-10-25. Review status: no assertion criteria provided. Collection method: clinical testing. Allele origin: unknown. Not counted in ClinVar's aggregate classification.

Literature cited by the submitters: PubMed 10814720 (cited by Labcorp Genetics (formerly Invitae), Labcorp and Counsyl).